The following is an entry in ClinVar:

NM_003978.5(PSTPIP1):c.572A>G (p.Tyr191Cys)

Gene: PSTPIP1 (proline-serine-threonine phosphatase interacting protein 1; plus strand). Cytogenetic location: 15q24.3.
Variant type: single nucleotide variant.
Coding change: c.572A>G on transcript NM_003978.5 (MANE Select); coding-DNA position 572, A replaced by G.
Protein change: p.Tyr191Cys; replaces tyrosine 191 with cysteine.
Molecular consequence: missense variant.
Genome position (GRCh38, 1-based): chr15:77,030,511, A>G. VCF-style: chr15-77030511-A-G. GRCh37 (hg19) VCF-style: chr15-77322852-A-G.
Other names: c.572A>G, p.Tyr191Cys (NM_001321135.2, NM_001411086.1); c.545A>G, p.Tyr182Cys (NM_001321136.2); c.767A>G, p.Tyr256Cys (NM_001321137.1); short protein forms Y182C, Y256C, Y191C.
Identifiers: ClinVar variation 2002242 (VCV002002242.4), dbSNP rs2542842686, ClinGen allele CA393520647.

ClinVar aggregate classification (germline): Uncertain significance (1 of 4 stars; one submission).

Conditions:
Pyogenic arthritis-pyoderma gangrenosum-acne syndrome (PAPA). Also called: PAPA SYNDROME; FAMILIAL RECURRENT ARTHRITIS. Identifiers: Orphanet 69126, MedGen C1858361, MONDO:0011462, OMIM 604416.

Submission:

Labcorp Genetics (formerly Invitae), Labcorp
Classification: Uncertain significance for Pyogenic arthritis-pyoderma gangrenosum-acne syndrome. Last evaluated: 2024-11-05. Review status: criteria provided, single submitter. Criteria: Invitae Variant Classification Sherloc (09022015). Collection method: clinical testing. Allele origin: germline.
Comment: This sequence change replaces tyrosine, which is neutral and polar, with cysteine, which is neutral and slightly polar, at codon 191 of the PSTPIP1 protein (p.Tyr191Cys). This variant is not present in population databases (gnomAD no frequency). This variant has not been reported in the literature in individuals affected with PSTPIP1-related conditions. ClinVar contains an entry for this variant (Variation ID: 2002242). Invitae Evidence Modeling of protein sequence and biophysical properties (such as structural, functional, and spatial information, amino acid conservation, physicochemical variation, residue mobility, and thermodynamic stability) indicates that this missense variant is expected to disrupt PSTPIP1 protein function with a positive predictive value of 80%. In summary, the available evidence is currently insufficient to determine the role of this variant in disease. Therefore, it has been classified as a Variant of Uncertain Significance.